The following is an entry in ClinVar:

NM_032833.5(PPP1R15B):c.1292G>C (p.Gly431Ala)

Gene: PPP1R15B (protein phosphatase 1 regulatory subunit 15B; minus strand). Cytogenetic location: 1q32.1.
Variant type: single nucleotide variant.
Coding change: c.1292G>C on transcript NM_032833.5 (MANE Select); coding-DNA position 1292, G replaced by C.
Protein change: p.Gly431Ala; replaces glycine 431 with alanine.
Molecular consequence: missense variant.
Genome position (GRCh38, 1-based): chr1:204,410,120, C>G on the plus strand (G>C on the coding strand, the complement: PPP1R15B is on the minus strand). VCF-style: chr1-204410120-C-G. GRCh37 (hg19) VCF-style: chr1-204379248-C-G.
Other names: c.1292G>C (NM_032833.3); short protein forms G431A.
Identifiers: ClinVar variation 2870542 (VCV002870542.4), dbSNP rs1219491611, ClinGen allele CA344352991.

ClinVar aggregate classification (germline): Uncertain significance. Review status: criteria provided, multiple submitters, no conflicts (2 of 4 stars). 2 submissions from 2 submitters: Uncertain significance (2). Last evaluated 2024-12-16.

Conditions:
Inborn genetic diseases. Identifiers: MedGen C0950123, MeSH D030342.

Allele frequency attached by ClinVar (database versions not stated): gnomAD exomes below 0.00001; TOPMed 0.00003.

Submissions (2):

Labcorp Genetics (formerly Invitae), Labcorp
Classification: Uncertain significance. Last evaluated: 2024-12-16. Review status: criteria provided, single submitter. Criteria: Invitae Variant Classification Sherloc (09022015). Collection method: clinical testing. Allele origin: germline.
Comment: This sequence change replaces glycine, which is neutral and non-polar, with alanine, which is neutral and non-polar, at codon 431 of the PPP1R15B protein (p.Gly431Ala). This variant is present in population databases (no rsID available, gnomAD 0.0009%). This variant has not been reported in the literature in individuals affected with PPP1R15B-related conditions. ClinVar contains an entry for this variant (Variation ID: 2870542). Invitae Evidence Modeling of protein sequence and biophysical properties (such as structural, functional, and spatial information, amino acid conservation, physicochemical variation, residue mobility, and thermodynamic stability) indicates that this missense variant is expected to disrupt PPP1R15B protein function with a positive predictive value of 80%. In summary, the available evidence is currently insufficient to determine the role of this variant in disease. Therefore, it has been classified as a Variant of Uncertain Significance.

Ambry Genetics
Classification: Uncertain significance for Inborn genetic diseases. Last evaluated: 2024-02-05. Review status: criteria provided, single submitter. Criteria: Ambry Variant Classification Scheme 2023. Collection method: clinical testing. Allele origin: germline.